The following is an entry in ClinVar:

NM_000256.3(MYBPC3):c.3814+6G>A

Gene: MYBPC3 (myosin binding protein C3; minus strand). Cytogenetic location: 11p11.2.
Variant type: single nucleotide variant.
Coding change: c.3814+6G>A on transcript NM_000256.3 (MANE Select); 6 bases into the intron after coding-DNA position 3814, G replaced by A.
Molecular consequence: intron variant.
Genome position (GRCh38, 1-based): chr11:47,332,066, C>T on the plus strand (G>A on the coding strand, the complement: MYBPC3 is on the minus strand). VCF-style: chr11-47332066-C-T. GRCh37 (hg19) VCF-style: chr11-47353617-C-T.
Identifiers: ClinVar variation 3893957 (VCV003893957.1).

ClinVar aggregate classification (germline): Uncertain significance (1 of 4 stars; one submission).

Conditions:
Cardiomyopathy (CMYO). Also called: Cardiomyopathies. Identifiers: Orphanet 167848, MedGen C0878544, MONDO:0004994, HP:0001638. Inheritance: Various modes of inheritance.

Submission:

Color Diagnostics, LLC DBA Color Health
Classification: Uncertain significance for Cardiomyopathy. Last evaluated: 2024-06-17. Review status: criteria provided, single submitter. Criteria: ACMG Guidelines, 2015. Collection method: clinical testing. Allele origin: germline.
Comment: This variant causes a G to A nucleotide substitution at the +6 position of intron 33 of the MYBPC3 gene. To our knowledge, functional studies have not been reported for this variant. This variant has not been reported in individuals affected with MYBPC3-related disorders in the literature. This variant has not been identified in the general population by the Genome Aggregation Database (gnomAD). The available evidence is insufficient to determine the role of this variant in disease conclusively. Therefore, this variant is classified as a Variant of Uncertain Significance.